The following is an entry in ClinVar:

NM_025103.4(IFT74):c.880G>A (p.Glu294Lys)

Gene: IFT74 (intraflagellar transport 74; plus strand). Cytogenetic location: 9p21.2.
Variant type: single nucleotide variant.
Coding change: c.880G>A on transcript NM_025103.4 (MANE Select); coding-DNA position 880, G replaced by A.
Protein change: p.Glu294Lys; replaces glutamic acid 294 with lysine.
Molecular consequence: missense variant.
Genome position (GRCh38, 1-based): chr9:27,016,997, G>A. VCF-style: chr9-27016997-G-A. GRCh37 (hg19) VCF-style: chr9-27016995-G-A.
Other names: c.880G>A, p.Glu294Lys (NM_001099222.3, NM_001099223.3, NM_001099224.3 and 1 more transcripts); short protein forms E294K.
Identifiers: ClinVar variation 2634194 (VCV002634194.3), dbSNP rs1386180041, ClinGen allele CA373119684.
Genomic context (GRCh38, chr9:27,016,997, plus strand): 5'-GCGGTATTGCTGCATGAAAAACTTTATGAGTTGGAGTCCCATCGAGATCAAATGATTGCA[G>A]AAGACAAAAGCATAGGATCTCCAATGGAAGAGAGAGAGAAATTACTTAAGCAGGTGGGCA-3'
Protein context (NP_079379.2, residues 284-304): LESHRDQMIA[Glu294Lys]DKSIGSPMEE

ClinVar aggregate classification (germline): Uncertain significance (0 of 4 stars; one submission).

Conditions:
IFT74-related disorder. Also called: IFT74-Related Disorders; IFT74-related condition.

Allele frequency attached by ClinVar (database versions not stated): gnomAD exomes 0.00001.
gnomAD v4.1: 8 of 1,610,660 alleles (0.0005%); highest among the groups gnomAD compares: Non-Finnish European, 0.00059%; no homozygotes.

Submission:

PreventionGenetics, part of Exact Sciences
Classification: Uncertain significance for IFT74-related condition. Last evaluated: 2023-12-03. Review status: no assertion criteria provided. Collection method: clinical testing. Allele origin: germline.
Comment: The IFT74 c.880G>A variant is predicted to result in the amino acid substitution p.Glu294Lys. To our knowledge, this variant has not been reported in the literature. This variant is reported in 0.00088% of alleles in individuals of European (Non-Finnish) descent in gnomAD. At this time, the clinical significance of this variant is uncertain due to the absence of conclusive functional and genetic evidence.